The following is an entry in ClinVar:

NM_207361.6(FREM2):c.4150C>T (p.His1384Tyr)

Gene: FREM2 (FRAS1 related extracellular matrix 2; plus strand). Cytogenetic location: 13q13.3.
Variant type: single nucleotide variant.
Coding change: c.4150C>T on transcript NM_207361.6 (MANE Select); coding-DNA position 4150, C replaced by T.
Protein change: p.His1384Tyr; replaces histidine 1384 with tyrosine.
Molecular consequence: missense variant.
Genome position (GRCh38, 1-based): chr13:38,691,494, C>T. VCF-style: chr13-38691494-C-T. GRCh37 (hg19) VCF-style: chr13-39265631-C-T.
Other names: c.4150C>T (NM_207361.4, NM_207361.5); short protein forms H1384Y.
Identifiers: ClinVar variation 1687466 (VCV001687466.7), dbSNP rs192340937, ClinGen allele CA6954927.
Genomic context (GRCh38, chr13:38,691,494, plus strand): 5'-ATCACACTGGGCATGAATTTTACCCAGGATGAAGTAGACAGAAACTTAATTCAGTATGTC[C>T]ATTTGGGGCAAGAGGGCATTCGGGACCTAATTAAATTTGATGTGACTGATGGAATAAATC-3'
Protein context (NP_997244.4, residues 1374-1394): EVDRNLIQYV[His1384Tyr]LGQEGIRDLI

ClinVar aggregate classification (germline): Uncertain significance. Review status: criteria provided, multiple submitters, no conflicts (2 of 4 stars). 5 submissions from 5 submitters: Uncertain significance (5). Last evaluated 2025-11-18.

Conditions:
Fraser syndrome 2 (FRASRS2). Identifiers: MedGen C4540036, MONDO:0054738, OMIM 617666.
Isolated cryptophthalmia. Also called: Cryptophthalmos, unilateral or bilateral, isolated; ANKYLOBLEPHARON, SIMPLE. Identifiers: Orphanet 91396, MedGen C1852453, MONDO:0007410, OMIM 123570.
FREM2-related disorder. Also called: FREM2-related condition.

Allele frequency attached by ClinVar (database versions not stated): gnomAD exomes 0.00005 and 0.00019; ExAC 0.00010; gnomAD 0.00012 and 0.00014; TOPMed 0.00017; 1000 Genomes Project 0.00040; 1000 Genomes Project 30x 0.00047.
gnomAD v4.1: 87 of 1,614,078 alleles (0.0054%); highest among the groups gnomAD compares: Admixed American, 0.14%; no homozygotes.

Submissions (5):

GeneDx
Classification: Uncertain significance. Last evaluated: 2025-11-18. Review status: criteria provided, single submitter. Criteria: GeneDx Variant Classification Process June 2021. Collection method: clinical testing. Allele origin: germline.
Comment: In silico analysis supports that this missense variant has a deleterious effect on protein structure/function; Has not been previously published as pathogenic or benign to our knowledge

PreventionGenetics, part of Exact Sciences
Classification: Uncertain significance for FREM2-related condition. Last evaluated: 2023-04-12. Review status: criteria provided, single submitter. Criteria: ACMG Guidelines, 2015. Collection method: clinical testing. Allele origin: germline.
Comment: The FREM2 c.4150C>T variant is predicted to result in the amino acid substitution p.His1384Tyr. To our knowledge, this variant has not been reported in the literature. This variant is reported in 0.14% of alleles in individuals of Latino descent in gnomAD. Although we suspect that this variant may be benign, at this time, the clinical significance of this variant is uncertain due to the absence of conclusive functional and genetic evidence.

Labcorp Genetics (formerly Invitae), Labcorp
Classification: Uncertain significance. Last evaluated: 2022-07-06. Review status: criteria provided, single submitter. Criteria: Invitae Variant Classification Sherloc (09022015). Collection method: clinical testing. Allele origin: germline.
Comment: This sequence change replaces histidine, which is basic and polar, with tyrosine, which is neutral and polar, at codon 1384 of the FREM2 protein (p.His1384Tyr). The frequency data for this variant in the population databases is considered unreliable, as metrics indicate poor data quality at this position in the gnomAD database. This variant has not been reported in the literature in individuals affected with FREM2-related conditions. ClinVar contains an entry for this variant (Variation ID: 1687466). Algorithms developed to predict the effect of missense changes on protein structure and function are either unavailable or do not agree on the potential impact of this missense change (SIFT: "Deleterious"; PolyPhen-2: "Probably Damaging"; Align-GVGD: "Class C0"). In summary, the available evidence is currently insufficient to determine the role of this variant in disease. Therefore, it has been classified as a Variant of Uncertain Significance.

3billion
Classification: Uncertain significance for Fraser syndrome 2. Last evaluated: 2022-05-22. Review status: criteria provided, single submitter. Criteria: ACMG Guidelines, 2015. Collection method: clinical testing. Allele origin: germline. Affected: yes. Observed: 1 heterozygote.
Comment: The variant is observed at an extremely low frequency in the gnomAD v2.1.1 dataset (total allele frequency: 0.017%). Protein truncation variants are a common disease-causing mechanism. In silico tool predictions suggest damaging effect of the variant on gene or gene product (REVEL: 0.67; 3Cnet: 0.10). Therefore, this variant is classified as uncertain significanceaccording to the recommendation of ACMG/AMP guideline.

Fulgent Genetics
Classification: Uncertain significance for Isolated cryptophthalmia; Fraser syndrome 2. Last evaluated: 2022-04-21. Review status: criteria provided, single submitter. Criteria: ACMG Guidelines, 2015. Collection method: clinical testing. Allele origin: unknown.